The following is an entry in ClinVar:

ClinVar aggregate classification (germline): Uncertain significance (1 of 4 stars; one submission).

gnomAD v4.1: 1 of 1,614,244 alleles (0.000062%); highest among the groups gnomAD compares: East Asian, 0.0022%; no homozygotes.

Submission:

GeneDx
Classification: Uncertain significance. Last evaluated: 2026-04-03. Review status: criteria provided, single submitter. Criteria: GeneDx Variant Classification Process June 2021. Collection method: clinical testing. Allele origin: germline.
Comment: Not observed at significant frequency in large population cohorts (gnomAD); In silico analysis supports that this missense variant has a deleterious effect on protein structure/function; Has not been previously published as pathogenic or benign to our knowledge

NM_000384.3(APOB):c.2315A>G (p.Glu772Gly)

Gene: APOB (apolipoprotein B; minus strand). Cytogenetic location: 2p24.1.
Variant type: single nucleotide variant.
Coding change: c.2315A>G on transcript NM_000384.3 (MANE Select); coding-DNA position 2315, A replaced by G.
Protein change: p.Glu772Gly; replaces glutamic acid 772 with glycine.
Molecular consequence: missense variant.
Genome position (GRCh38, 1-based): chr2:21,025,054, T>C on the plus strand (A>G on the coding strand, the complement: APOB is on the minus strand). VCF-style: chr2-21025054-T-C. GRCh37 (hg19) VCF-style: chr2-21247926-T-C.
Other names: short protein forms E772G.
Identifiers: ClinVar variation 5018104 (VCV005018104.1).